The following is an entry in ClinVar:

ClinVar aggregate classification (germline): Uncertain significance (1 of 4 stars; one submission).

Conditions:
Familial hemophagocytic lymphohistiocytosis 3 (FHL3). Also called: UNC13D-Related Familial Hemophagocytic Lymphohistiocytosis (UNC13D-fHLH). Identifiers: Orphanet 540, MedGen C1837174, MONDO:0012146, OMIM 608898.

Allele frequency attached by ClinVar (database versions not stated): ExAC 0.00002; gnomAD exomes 0.00003; TOPMed 0.00003; gnomAD 0.00005.

Submission:

Labcorp Genetics (formerly Invitae), Labcorp
Classification: Uncertain significance for Familial hemophagocytic lymphohistiocytosis 3. Last evaluated: 2021-07-27. Review status: criteria provided, single submitter. Criteria: Invitae Variant Classification Sherloc (09022015). Collection method: clinical testing. Allele origin: germline.
Comment: This sequence change falls in intron 20 of the UNC13D gene. It does not directly change the encoded amino acid sequence of the UNC13D protein. It affects a nucleotide within the consensus splice site of the intron. This variant is present in population databases (rs774635307, ExAC 0.003%). This variant has not been reported in the literature in individuals affected with UNC13D-related conditions. ClinVar contains an entry for this variant (Variation ID: 1059219). Nucleotide substitutions within the consensus splice site are a relatively common cause of aberrant splicing (PMID: 17576681, 9536098). Algorithms developed to predict the effect of sequence changes on RNA splicing suggest that this variant may disrupt the consensus splice site. In summary, the available evidence is currently insufficient to determine the role of this variant in disease. Therefore, it has been classified as a Variant of Uncertain Significance.

Literature cited by the submitters: PubMed 17576681; PubMed 9536098.

NM_199242.3(UNC13D):c.1848+2dup

Gene: UNC13D (unc-13 homolog D; minus strand). Cytogenetic location: 17q25.1.
Variant type: Duplication.
Coding change: c.1848+2dup on transcript NM_199242.3 (MANE Select); the canonical splice donor site of the intron after coding-DNA position 1848, one base duplicated (T; older notation c.1848+2dupT).
Molecular consequence: splice donor variant.
Genome position (GRCh38, 1-based): chr17:75,835,407, A duplicated on the plus strand (T on the coding strand, the reverse complement: UNC13D is on the minus strand). VCF-style (leftmost placement, unchanged base first): chr17-75835406-C-CA. GRCh37 (hg19) VCF-style: chr17-73831487-C-CA.
Identifiers: ClinVar variation 1059219 (VCV001059219.4), dbSNP rs774635307, ClinGen allele CA8772784.
Genomic context (GRCh38, chr17:75,835,406, plus strand): 5'-AGGCAGAACCCAAGCCTCACCCCCAAACCGGGGCCCCGCCCCCTGCCCTGGCCACGCCCC[C>CA]ACCTCATCCATCTGCACAGCGCGCTGCACCCGCGCCAGGGCCTCGTTGTACGTCTTCTGC-3'